The following is an entry in ClinVar:

NM_014008.5(CCDC22):c.142G>A (p.Ala48Thr)

Gene: CCDC22 (CCC complex scaffolding subunit CCDC22; plus strand). Cytogenetic location: Xp11.23.
Variant type: single nucleotide variant.
Coding change: c.142G>A on transcript NM_014008.5 (MANE Select); coding-DNA position 142, G replaced by A.
Protein change: p.Ala48Thr; replaces alanine 48 with threonine.
Molecular consequence: missense variant.
Genome position (GRCh38, 1-based): chrX:49,237,177, G>A. VCF-style: chrX-49237177-G-A. GRCh37 (hg19) VCF-style: chrX-49093644-G-A.
Other names: c.142G>A (NM_014008.3); short protein forms A48T.
Identifiers: ClinVar variation 1805884 (VCV001805884.25), dbSNP rs138329959, ClinGen allele CA10411185.
Genomic context (GRCh38, chrX:49,237,177, plus strand): 5'-GCCTTCACCACTGAGCTGGTTGTAGAGGCTGTGGTCCGCTGCCTGCGTGTGATCAACCCT[G>A]CGGTGGGCTCTGGCCTCAGCCCTCTGCTGCCTCTTGCCATGTCTGCCCGGTTCCGCCTGG-3'
Protein context (NP_054727.1, residues 38-58): VVRCLRVINP[Ala48Thr]VGSGLSPLLP

ClinVar aggregate classification (germline): Conflicting classifications of pathogenicity. Review status: criteria provided, conflicting classifications (1 of 4 stars). 3 submissions from 3 submitters: Uncertain significance (1); Likely benign (2). Last evaluated 2024-01-01.

Conditions:
Ritscher-Schinzel syndrome 2. Identifiers: Orphanet 7, MedGen C4225419, MONDO:0010499, OMIM 300963.

Allele frequency attached by ClinVar (database versions not stated): ExAC 0.00007; TOPMed 0.00035; ESP Exome Variant Server 0.00038; gnomAD 0.00038; gnomAD exomes 0.00044.
gnomAD v4.1: 526 of 1,210,895 alleles (0.043%); highest among the groups gnomAD compares: Non-Finnish European, 0.054%; no homozygotes.

Submissions (3):

CeGaT Center for Human Genetics Tuebingen
Classification: Likely benign. Last evaluated: 2024-01-01. Review status: criteria provided, single submitter. Criteria: CeGaT Center For Human Genetics Tuebingen Variant Classification Criteria Version 2. Collection method: clinical testing. Allele origin: germline. Affected: yes. Observed: 1 variant allele.
Comment: CCDC22: BP4, BS2

Ambry Genetics
Classification: Uncertain significance. Last evaluated: 2023-08-22. Review status: criteria provided, single submitter. Criteria: Ambry Variant Classification Scheme 2023. Collection method: clinical testing. Allele origin: germline.

Victorian Clinical Genetics Services, Murdoch Childrens Research Institute
Classification: Likely benign for Ritscher-Schinzel syndrome 2. Last evaluated: 2020-05-25. Review status: criteria provided, single submitter. Criteria: ACMG Guidelines, 2015. Collection method: clinical testing. Allele origin: germline. Inheritance: X-linked recessive inheritance.
Comment: Based on the classification scheme VCGS_Germline_v1.1.1, this variant is classified as likely benign. Following criteria are met: 0105 - The mechanism of disease for this gene is not clearly established. (N) 0109 - This gene is known to be associated with X-linked recessive disease. (N) 0200 - Variant is predicted to result in a missense amino acid change from alanine to threonine (exon 2). (N) 0253 - Variant is hemizygous. (N) 0304 - Variant is present in gnomAD <0.01 for a recessive condition (17 heterozygotes, 13 hemizygotes, 0 homozygotes). (P) 0309 - An alternative amino acid change at the same position has been observed in gnomAD (8 heterozygotes, 2 hemizygotes, 0 homozygotes). (N) 0503 - Missense variant consistently predicted to be tolerated or not conserved in mammals with a minor amino acid change. (B) 0504 - Same amino acid change has been observed in mammals. (B) 0600 - Variant is located in an annotated domain or motif (Protein of unknown function DUF812; PDB, NCBI). (N) 0705 - No comparable variants have previous evidence for pathogenicity. (N) 0807 - Variant has not previously been reported in a clinical context. (N) 0905 - No segregation evidence has been identified for this variant. (N) 1007 - No published functional evidence has been identified for this variant. (N) 1208 - Inheritance information for this variant is not currently available. (N) Legend: (P) - Pathogenic, (N) - Neutral, (B) - Benign